The following is an entry in ClinVar:

ClinVar aggregate classification (germline): Pathogenic (1 of 4 stars; one submission).

Conditions:
Glycogen storage disease, type II (IOPD). Also called: Pompe Disease; CARDIOMEGALIA GLYCOGENICA DIFFUSA; GLYCOGENOSIS, GENERALIZED, CARDIAC FORM; GSD II; POMPE DISEASE, INFANTILE-ONSET; GLYCOGEN STORAGE DISEASE II, INFANTILE-ONSET. Identifiers: Orphanet 365, MedGen C0017921, MONDO:0009290, OMIM 232300.

Submission:

Genomenon, Inc
Classification: Pathogenic for Glycogen storage disease, type II. Last evaluated: 2026-07-01. Review status: criteria provided, single submitter. Criteria: Genomenon Sequence Variant Interpretation Standards - Updated. Collection method: curation. Allele origin: germline.
Comment: GAA p.Gly576AlafsTer2 (c.1727del) is a frameshift variant that is predicted to introduce a premature termination codon and result in a truncated or absent protein product. This variant has been reported in the compound heterozygous and/or homozygous state in at least one individual without a confirmed diagnosis of Pompe disease (PMID:33301762). It is absent or not present at a significant frequency in gnomAD. In conclusion, we classify GAA p.Gly576AlafsTer2 (c.1727del) as a pathogenic variant.

Literature cited by the submitters: PubMed 33301762.

NM_000152.5(GAA):c.1727del (p.Gly576fs)

Gene: GAA (alpha glucosidase; plus strand). Cytogenetic location: 17q25.3.
Variant type: Deletion.
Coding change: c.1727del on transcript NM_000152.5 (MANE Select); coding-DNA position 1727, one base deleted (G; older notation c.1727delG).
Protein change: p.Gly576fs; shifts the reading frame from glycine 576.
Molecular consequence: frameshift variant.
Genome position (GRCh38, 1-based): chr17:80,112,073, G deleted; the last of 2 consecutive G bases (chr17:80,112,072-80,112,073); deleting either gives the same sequence. VCF-style (leftmost placement, unchanged base first): chr17-80112071-CG-C. GRCh37 (hg19) VCF-style: chr17-78085870-CG-C.
Other names: c.1727del, p.Gly576fs (NM_001079803.3, NM_001079804.3, NM_001406741.1 and 1 more transcripts); short protein forms G576fs.
Identifiers: ClinVar variation 4876521 (VCV004876521.1).